The following is an entry in ClinVar:

ClinVar aggregate classification (germline): Likely pathogenic (1 of 4 stars; one submission).

Submission:

Labcorp Genetics (formerly Invitae), Labcorp
Classification: Likely pathogenic. Last evaluated: 2022-03-23. Review status: criteria provided, single submitter. Criteria: Invitae Variant Classification Sherloc (09022015). Collection method: clinical testing. Allele origin: germline.
Comment: This sequence change replaces serine, which is neutral and polar, with phenylalanine, which is neutral and non-polar, at codon 475 of the SLC12A3 protein (p.Ser475Phe). This variant is not present in population databases (gnomAD no frequency). This variant has not been reported in the literature in individuals affected with SLC12A3-related conditions. Advanced modeling of protein sequence and biophysical properties (such as structural, functional, and spatial information, amino acid conservation, physicochemical variation, residue mobility, and thermodynamic stability) performed at Invitae indicates that this missense variant is expected to disrupt SLC12A3 protein function. This variant disrupts the p.Ser475 amino acid residue in SLC12A3. Other variant(s) that disrupt this residue have been determined to be pathogenic (PMID: 20552229, 22009145, 31672324). This suggests that this residue is clinically significant, and that variants that disrupt this residue are likely to be disease-causing. In summary, the currently available evidence indicates that the variant is pathogenic, but additional data are needed to prove that conclusively. Therefore, this variant has been classified as Likely Pathogenic.

Literature cited by the submitters: PubMed 20552229; PubMed 22009145; PubMed 31672324.

NM_001126108.2(SLC12A3):c.1424C>T (p.Ser475Phe)

Gene: SLC12A3 (solute carrier family 12 member 3; plus strand). Cytogenetic location: 16q13.
Variant type: single nucleotide variant.
Coding change: c.1424C>T on transcript NM_001126108.2 (MANE Select); coding-DNA position 1424, C replaced by T.
Protein change: p.Ser475Phe; replaces serine 475 with phenylalanine.
Molecular consequence: missense variant.
Genome position (GRCh38, 1-based): chr16:56,879,630, C>T. VCF-style: chr16-56879630-C-T. GRCh37 (hg19) VCF-style: chr16-56913542-C-T.
Other names: c.1424C>T, p.Ser475Phe (NM_000339.3); c.1421C>T, p.Ser474Phe (NM_001126107.2, NM_001410896.1); short protein forms S474F, S475F.
Identifiers: ClinVar variation 2115869 (VCV002115869.4), dbSNP rs373017321, ClinGen allele CA395987779.